The following is an entry in ClinVar:

ClinVar aggregate classification (germline): Likely benign (0 of 4 stars; one submission).

Conditions:
CALCR-related disorder. Also called: CALCR-related condition.

Allele frequency attached by ClinVar (database versions not stated): gnomAD 0.00003; gnomAD exomes 0.00010; TOPMed 0.00013; ExAC 0.00040.
gnomAD v4.1: 144 of 1,612,318 alleles (0.0089%); highest among the groups gnomAD compares: Admixed American, 0.24%; 1 homozygote.

Submission:

PreventionGenetics, part of Exact Sciences
Classification: Likely benign for CALCR-related condition. Last evaluated: 2020-01-03. Review status: no assertion criteria provided. Collection method: clinical testing. Allele origin: germline.
Comment: This variant is classified as likely benign based on ACMG/AMP sequence variant interpretation guidelines (Richards et al. 2015 PMID: 25741868, with internal and published modifications).

NM_001742.4(CALCR):c.81A>G (p.Ser27=)

Gene: CALCR (calcitonin receptor; minus strand). Cytogenetic location: 7q21.3.
Variant type: single nucleotide variant.
Coding change: c.81A>G on transcript NM_001742.4 (MANE Select); coding-DNA position 81, A replaced by G.
Protein change: p.Ser27=; no amino-acid change (serine 27 retained).
Molecular consequence: synonymous variant.
Genome position (GRCh38, 1-based): chr7:93,479,478, T>C on the plus strand (A>G on the coding strand, the complement: CALCR is on the minus strand). VCF-style: chr7-93479478-T-C. GRCh37 (hg19) VCF-style: chr7-93108790-T-C.
Other names: c.81A>G, p.Ser27= (NM_001164737.3, NM_001164738.2).
Identifiers: ClinVar variation 3035666 (VCV003035666.2), dbSNP rs780870954, ClinGen allele CA4345696.
Genomic context (GRCh38, chr7:93,479,478, plus strand): 5'-CTTCTTTCGTCCTACGACGTAAAGAAATGGCTTGGGCTCTATTGTTGGATAGGTTTGATT[T>C]GAAAAGGCAGGAAGAATTGGGGTTGGGTGCTGTATTAAAAAGAAAAATCAGTTACTTATA-3'
Protein context (NP_001733.1, residues 17-37): NHPTPILPAF[Ser27=]NQTYPTIEPK